The following is an entry in ClinVar:

NM_001253697.2(ERBIN):c.58G>A (p.Glu20Lys)

Gene: ERBIN (erbb2 interacting protein; plus strand). Cytogenetic location: 5q12.3.
Variant type: single nucleotide variant.
Coding change: c.58G>A on transcript NM_001253697.2 (MANE Select); coding-DNA position 58, G replaced by A.
Protein change: p.Glu20Lys; replaces glutamic acid 20 with lysine.
Molecular consequence: missense variant.
Genome position (GRCh38, 1-based): chr5:65,992,776, G>A. VCF-style: chr5-65992776-G-A. GRCh37 (hg19) VCF-style: chr5-65288604-G-A.
Other names: c.58G>A, p.Glu20Lys (NM_001253701.2, NM_018695.4, NM_001006600.3 and 2 more transcripts); short protein forms E20K.
Identifiers: ClinVar variation 2699768 (VCV002699768.3), dbSNP rs2546609199, ClinGen allele CA359971781.

ClinVar aggregate classification (germline): Uncertain significance (1 of 4 stars; one submission).

Submission:

Labcorp Genetics (formerly Invitae), Labcorp
Classification: Uncertain significance. Last evaluated: 2023-11-29. Review status: criteria provided, single submitter. Criteria: Invitae Variant Classification Sherloc (09022015). Collection method: clinical testing. Allele origin: germline.
Comment: This sequence change replaces glutamic acid, which is acidic and polar, with lysine, which is basic and polar, at codon 20 of the ERBIN protein (p.Glu20Lys). This variant is not present in population databases (gnomAD no frequency). This variant has not been reported in the literature in individuals affected with ERBIN-related conditions. An algorithm developed to predict the effect of missense changes on protein structure and function (PolyPhen-2) suggests that this variant is likely to be disruptive. In summary, the available evidence is currently insufficient to determine the role of this variant in disease. Therefore, it has been classified as a Variant of Uncertain Significance.